The following is an entry in ClinVar:

NM_052947.4(ALPK2):c.3663G>C (p.Glu1221Asp)

Genes: ALPK2 (alpha kinase 2; minus strand), LOC126862764 (BRD4-independent group 4 enhancer GRCh37_chr18:56202574-56203773; plus strand). Cytogenetic location: 18q21.31.
Variant type: single nucleotide variant.
Coding change: c.3663G>C on transcript NM_052947.4 (MANE Select); coding-DNA position 3663, G replaced by C.
Protein change: p.Glu1221Asp; replaces glutamic acid 1221 with aspartic acid.
Molecular consequence: missense variant.
Genome position (GRCh38, 1-based): chr18:58,536,524, C>G on the plus strand (G>C on the coding strand, the complement: ALPK2 is on the minus strand). VCF-style: chr18-58536524-C-G. GRCh37 (hg19) VCF-style: chr18-56203756-C-G.
Other names: short protein forms E1221D.
Identifiers: ClinVar variation 2449216 (VCV002449216.2), dbSNP rs1342983715, ClinGen allele CA402566138.
Genomic context (GRCh38, chr18:58,536,524, plus strand): 5'-TAGAGTTATAATCTTCAGCTTGTTGCCTGCCTCCCAATTTCCAGGTCTATATTCTTTAGA[C>G]TCTTCCAAAAGGATATCAGAGAGAGATGGAACGTTGCTCAGAGCCTGACTGTCTTCTTCC-3'
Protein context (NP_443179.3, residues 1211-1231): VPSLSDILLE[Glu1221Asp]SKEYRPGNWE

ClinVar aggregate classification (germline): Uncertain significance (1 of 4 stars; one submission).

Allele frequency attached by ClinVar (database versions not stated): gnomAD 0.00001.
gnomAD v4.1: 1 of 1,613,746 alleles (0.000062%); highest among the groups gnomAD compares: Non-Finnish European, 0.000085%; no homozygotes.

Submission:

Ambry Genetics
Classification: Uncertain significance. Last evaluated: 2022-12-01. Review status: criteria provided, single submitter. Criteria: Ambry Variant Classification Scheme 2023. Collection method: clinical testing. Allele origin: germline.
Comment: The p.E1221D variant (also known as c.3663G>C), located in coding exon 4 of the ALPK2 gene, results from a G to C substitution at nucleotide position 3663. The glutamic acid at codon 1221 is replaced by aspartic acid, an amino acid with highly similar properties. This amino acid position is conserved. In addition, this alteration is predicted to be tolerated by in silico analysis. Since supporting evidence is limited at this time, the clinical significance of this alteration remains unclear.